The following is an entry in ClinVar:

ClinVar aggregate classification (germline): Uncertain significance (1 of 4 stars; one submission).

Conditions:
Fanconi anemia (FA). Also called: Fanconi's anemia. Identifiers: Orphanet 84, MedGen C0015625, MeSH D005199, MONDO:0019391.

Allele frequency attached by ClinVar (database versions not stated): gnomAD exomes below 0.00001.
gnomAD v4.1: 1 of 1,613,988 alleles (0.000062%); highest among the groups gnomAD compares: Non-Finnish European, 0.000085%; no homozygotes.

Submission:

Labcorp Genetics (formerly Invitae), Labcorp
Classification: Uncertain significance for Fanconi anemia. Last evaluated: 2021-07-28. Review status: criteria provided, single submitter. Criteria: Invitae Variant Classification Sherloc (09022015). Collection method: clinical testing. Allele origin: germline.
Comment: In summary, the available evidence is currently insufficient to determine the role of this variant in disease. Therefore, it has been classified as a Variant of Uncertain Significance. Advanced modeling of protein sequence and biophysical properties (such as structural, functional, and spatial information, amino acid conservation, physicochemical variation, residue mobility, and thermodynamic stability) performed at Invitae indicates that this missense variant is not expected to disrupt FANCA protein function. This variant has not been reported in the literature in individuals with FANCA-related conditions. This variant is not present in population databases (ExAC no frequency). This sequence change replaces valine with isoleucine at codon 596 of the FANCA protein (p.Val596Ile). The valine residue is moderately conserved and there is a small physicochemical difference between valine and isoleucine.

NM_000135.4(FANCA):c.1786G>A (p.Val596Ile)

Gene: FANCA (FA complementation group A; minus strand). Cytogenetic location: 16q24.3.
Variant type: single nucleotide variant.
Coding change: c.1786G>A on transcript NM_000135.4 (MANE Select); coding-DNA position 1786, G replaced by A.
Protein change: p.Val596Ile; replaces valine 596 with isoleucine.
Molecular consequence: missense variant.
Genome position (GRCh38, 1-based): chr16:89,778,841, C>T on the plus strand (G>A on the coding strand, the complement: FANCA is on the minus strand). VCF-style: chr16-89778841-C-T. GRCh37 (hg19) VCF-style: chr16-89845249-C-T.
Other names: c.1786G>A, p.Val596Ile (NM_001286167.3); short protein forms V596I.
Identifiers: ClinVar variation 1487833 (VCV001487833.8), dbSNP rs1391415619, ClinGen allele CA397454568.